The following is an entry in ClinVar:

ClinVar aggregate classification (germline): Uncertain significance (1 of 4 stars; one submission).

Conditions:
GNAS-related disorder. Identifiers: MedGen CN380105.

Submission:

PreventionGenetics, part of Exact Sciences
Classification: Uncertain significance for GNAS-related condition. Last evaluated: 2026-05-28. Review status: criteria provided, single submitter. Criteria: ACMG Guidelines, 2015. Collection method: clinical testing. Allele origin: germline.
Comment: The GNAS c.388G>A variant is predicted to result in the amino acid substitution p.Glu130Lys. To our knowledge, this variant has not been reported in the literature or in a large population database (gnomAD), indicating this variant is rare. At this time, the clinical significance of this variant is uncertain due to the absence of conclusive functional and genetic evidence.

NM_016592.5(GNAS):c.388G>A (p.Glu130Lys)

Genes: GNAS (GNAS complex locus; plus strand), GNAS-AS1 (GNAS antisense RNA 1; minus strand). Cytogenetic location: 20q13.32.
Variant type: single nucleotide variant.
Coding change: c.388G>A on transcript NM_016592.5 (MANE Plus Clinical); coding-DNA position 388, G replaced by A.
Protein change: p.Glu130Lys; replaces glutamic acid 130 with lysine.
Molecular consequence: missense variant. On other transcripts: 5 prime UTR variant (1).
Genome position (GRCh38, 1-based): chr20:58,840,494, G>A. VCF-style: chr20-58840494-G-A. GRCh37 (hg19) VCF-style: chr20-57415549-G-A.
Other names: c.-350G>A (NM_001410912.1); short protein forms E130K.
Identifiers: ClinVar variation 4994319 (VCV004994319.1).
Genomic context (GRCh38, chr20:58,840,494, plus strand): 5'-GAGACCGAGAGCGAGACCGAGTCCGAAATCGAGTCCGAGACCGACTTCGAGACCGAGCCT[G>A]AGACCGCCCCCACCACTGAGCCCGAGACCGAGCCTGAAGACGATCGCGGCCCGGTGGTGC-3'
Protein context (NP_057676.1, residues 120-140): ESETDFETEP[Glu130Lys]TAPTTEPETE